The following is an entry in ClinVar:

NM_001110556.2(FLNA):c.2439A>G (p.Gly813=)

Gene: FLNA (filamin A; minus strand). Cytogenetic location: Xq28.
Variant type: single nucleotide variant.
Coding change: c.2439A>G on transcript NM_001110556.2 (MANE Select); coding-DNA position 2439, A replaced by G.
Protein change: p.Gly813=; no amino-acid change (glycine 813 retained).
Molecular consequence: synonymous variant.
Genome position (GRCh38, 1-based): chrX:154,362,544, T>C on the plus strand (A>G on the coding strand, the complement: FLNA is on the minus strand). VCF-style: chrX-154362544-T-C. GRCh37 (hg19) VCF-style: chrX-153590912-T-C.
Other names: c.2439A>G, p.Gly813= (NM_001456.4).
Identifiers: ClinVar variation 506981 (VCV000506981.5), dbSNP rs1327921440, ClinGen allele CA519708840.

ClinVar aggregate classification (germline): Likely benign. Review status: criteria provided, multiple submitters, no conflicts (2 of 4 stars). 3 submissions from 3 submitters: Likely benign (3). Last evaluated 2025-05-06.

Conditions:
Melnick-Needles syndrome (MNS). Also called: MELNICK-NEEDLES OSTEODYSPLASTY; Melnick-Needles Syndrome (FLNA-MNS); OSTEODYSPLASTY OF MELNICK AND NEEDLES. Identifiers: Orphanet 2484, MedGen C0025237, MONDO:0010650, OMIM 309350.
Frontometaphyseal dysplasia (FMD1). Identifiers: Orphanet 1826, MedGen C0265293, MONDO:0015942.
Heterotopia, periventricular, X-linked dominant (PVNH1). Also called: PERIVENTRICULAR NODULAR HETEROTOPIA 4; HETEROTOPIA, PERIVENTRICULAR, 1; PERIVENTRICULAR NODULAR HETEROTOPIA 1; X-linked periventricular heterotopia. Identifiers: Orphanet 2149, Orphanet 82004, MedGen C1848213, MONDO:0010233, OMIM 300049.
Oto-palato-digital syndrome, type II (OPD2). Also called: Otopalatodigital Syndrome Type 2 (FLNA-OPD2); FACIOPALATOOSSEOUS SYNDROME; OPD II SYNDROME; Otopalatodigital Syndrome, Type II. Identifiers: Orphanet 669, Orphanet 90652, MedGen C1844696, MONDO:0010571, OMIM 304120.
Familial thoracic aortic aneurysm and aortic dissection (TAAD). Also called: Thoracic aortic aneurysms and dissections. Identifiers: Orphanet 91387, MedGen C4707243, MONDO:0019625.

Allele frequency attached by ClinVar (database versions not stated): gnomAD exomes below 0.00001; TOPMed below 0.00001.
gnomAD v4.1: 2 of 1,211,160 alleles (0.00017%); highest among the groups gnomAD compares: Non-Finnish European, 0.00011%; no homozygotes.

Submissions (3):

Labcorp Genetics (formerly Invitae), Labcorp
Classification: Likely benign for Oto-palato-digital syndrome, type II; Heterotopia, periventricular, X-linked dominant; Frontometaphyseal dysplasia; Melnick-Needles syndrome. Last evaluated: 2025-05-06. Review status: criteria provided, single submitter. Criteria: Invitae Variant Classification Sherloc (09022015). Collection method: clinical testing. Allele origin: germline.

Ambry Genetics
Classification: Likely benign for Familial thoracic aortic aneurysm and aortic dissection. Last evaluated: 2021-10-12. Review status: criteria provided, single submitter. Criteria: Ambry Variant Classification Scheme 2023. Collection method: clinical testing. Allele origin: germline.

GeneDx
Classification: Likely benign. Last evaluated: 2017-01-24. Review status: criteria provided, single submitter. Criteria: GeneDx Variant Classification (06012015). Collection method: clinical testing. Allele origin: germline. Affected: yes.
Comment: This variant is considered likely benign or benign based on one or more of the following criteria: it is a conservative change, it occurs at a poorly conserved position in the protein, it is predicted to be benign by multiple in silico algorithms, and/or has population frequency not consistent with disease.